The following is an entry in ClinVar:

ClinVar aggregate classification (germline): Benign. Review status: criteria provided, multiple submitters, no conflicts (2 of 4 stars). 2 submissions from 2 submitters: Benign (2). Last evaluated 2018-06-16.

Allele frequency attached by ClinVar (database versions not stated): 1000 Genomes Project 30x 0.08823; TOPMed 0.08869; 1000 Genomes Project 0.09305.
gnomAD v4.1: 117,708 of 1,034,846 alleles (11%); highest among the groups gnomAD compares: Middle Eastern, 16%; 7,385 homozygotes.

Submissions (2):

GeneDx
Classification: Benign. Last evaluated: 2018-06-16. Review status: criteria provided, single submitter. Criteria: GeneDx Variant Classification (06012015). Collection method: clinical testing. Allele origin: germline. Affected: yes.
Comment: This variant is considered likely benign or benign based on one or more of the following criteria: it is a conservative change, it occurs at a poorly conserved position in the protein, it is predicted to be benign by multiple in silico algorithms, and/or has population frequency not consistent with disease.

Breakthrough Genomics
Classification: Benign. Review status: criteria provided, single submitter. Criteria: ACMG Guidelines, 2015. Collection method: not provided. Allele origin: germline. Inheritance: Autosomal recessive inheritance. Affected: yes.

NM_153240.5(NPHP3):c.2476-72T>C

Genes: NPHP3 (nephrocystin 3; minus strand), NPHP3-ACAD11 (NPHP3-ACAD11 readthrough (NMD candidate); minus strand). Cytogenetic location: 3q22.1.
Variant type: single nucleotide variant.
Coding change: c.2476-72T>C on transcript NM_153240.5 (MANE Select); 72 bases into the intron before coding-DNA position 2476, T replaced by C.
Molecular consequence: intron variant.
Genome position (GRCh38, 1-based): chr3:132,691,358, A>G on the plus strand (T>C on the coding strand, the complement: NPHP3 is on the minus strand). VCF-style: chr3-132691358-A-G. GRCh37 (hg19) VCF-style: chr3-132410202-A-G.
Identifiers: ClinVar variation 674999 (VCV000674999.2), dbSNP rs2271491, ClinGen allele CA11596550.